The following is an entry in ClinVar:

NM_001330260.2(SCN8A):c.1876T>A (p.Ser626Thr)

Gene: SCN8A (sodium voltage-gated channel alpha subunit 8; plus strand). Cytogenetic location: 12q13.13.
Variant type: single nucleotide variant.
Coding change: c.1876T>A on transcript NM_001330260.2 (MANE Select); coding-DNA position 1876, T replaced by A.
Protein change: p.Ser626Thr; replaces serine 626 with threonine.
Molecular consequence: missense variant.
Genome position (GRCh38, 1-based): chr12:51,721,786, T>A. VCF-style: chr12-51721786-T-A. GRCh37 (hg19) VCF-style: chr12-52115570-T-A.
Other names: c.1876T>A, p.Ser626Thr (NM_001177984.3, NM_001369788.1, NM_014191.4); short protein forms S626T.
Identifiers: ClinVar variation 2897931 (VCV002897931.3), dbSNP rs753009673, ClinGen allele CA385229775.

ClinVar aggregate classification (germline): Uncertain significance (1 of 4 stars; one submission).

Conditions:
Early-infantile DEE. Also called: Early infantile epileptic encephalopathy; Ohtahara syndrome; Early infantile epileptic encephalopathy with suppression bursts. Identifiers: Orphanet 1934, MedGen C0393706, MONDO:0800491.

Submission:

Labcorp Genetics (formerly Invitae), Labcorp
Classification: Uncertain significance for Early-infantile DEE. Last evaluated: 2023-05-30. Review status: criteria provided, single submitter. Criteria: Invitae Variant Classification Sherloc (09022015). Collection method: clinical testing. Allele origin: germline.
Comment: In summary, the available evidence is currently insufficient to determine the role of this variant in disease. Therefore, it has been classified as a Variant of Uncertain Significance. Advanced modeling of protein sequence and biophysical properties (such as structural, functional, and spatial information, amino acid conservation, physicochemical variation, residue mobility, and thermodynamic stability) performed at Invitae indicates that this missense variant is not expected to disrupt SCN8A protein function. This variant has not been reported in the literature in individuals affected with SCN8A-related conditions. This variant is not present in population databases (gnomAD no frequency). This sequence change replaces serine, which is neutral and polar, with threonine, which is neutral and polar, at codon 626 of the SCN8A protein (p.Ser626Thr).